The following is an entry in ClinVar:

NM_005188.4(CBL):c.1076A>G (p.Asp359Gly)

Gene: CBL (Cbl proto-oncogene; plus strand). Cytogenetic location: 11q23.3.
Variant type: single nucleotide variant.
Coding change: c.1076A>G on transcript NM_005188.4 (MANE Select); coding-DNA position 1076, A replaced by G.
Protein change: p.Asp359Gly; replaces aspartic acid 359 with glycine.
Molecular consequence: missense variant.
Genome position (GRCh38, 1-based): chr11:119,277,825, A>G. VCF-style: chr11-119277825-A-G. GRCh37 (hg19) VCF-style: chr11-119148535-A-G.
Other names: short protein forms D359G.
Identifiers: ClinVar variation 5033747 (VCV005033747.1).
Genomic context (GRCh38, chr11:119,277,825, plus strand): 5'-TTCCTGATGGACGAAATCAGAATCCTGATCTGACTGGCTTATGTGAACCAACTCCCCAAG[A>G]CCATATCAAAGTGACCCAGGTGAGTTTTGTTTCACATGATAACCATATCACTGGACACAA-3'
Protein context (NP_005179.2, residues 349-369): LTGLCEPTPQ[Asp359Gly]HIKVTQEQYE

ClinVar aggregate classification (germline): Uncertain significance (1 of 4 stars; one submission).

Conditions:
Cardiovascular phenotype. Identifiers: MedGen CN230736.

gnomAD v4.1: 1 of 1,613,146 alleles (0.000062%); highest among the groups gnomAD compares: Non-Finnish European, 0.000085%; no homozygotes.

Submission:

Ambry Genetics
Classification: Uncertain significance for Cardiovascular phenotype. Last evaluated: 2026-07-15. Review status: criteria provided, single submitter. Criteria: Ambry Variant Classification Scheme 2023. Collection method: clinical testing. Allele origin: germline.
Comment: The p.D359G variant (also known as c.1076A>G), located in coding exon 7 of the CBL gene, results from an A to G substitution at nucleotide position 1076. The aspartic acid at codon 359 is replaced by glycine, an amino acid with similar properties. This amino acid position is conserved. In addition, this alteration is predicted to be deleterious by in silico analysis. Based on the available evidence, the clinical significance of this variant remains unclear.